The following is an entry in ClinVar:

NM_001127222.2(CACNA1A):c.2683G>A (p.Gly895Arg)

Gene: CACNA1A (calcium voltage-gated channel subunit alpha1 A; minus strand). Cytogenetic location: 19p13.13.
Variant type: single nucleotide variant.
Coding change: c.2683G>A on transcript NM_001127222.2 (MANE Select); coding-DNA position 2683, G replaced by A.
Protein change: p.Gly895Arg; replaces glycine 895 with arginine.
Molecular consequence: missense variant.
Genome position (GRCh38, 1-based): chr19:13,298,950, C>T on the plus strand (G>A on the coding strand, the complement: CACNA1A is on the minus strand). VCF-style: chr19-13298950-C-T. GRCh37 (hg19) VCF-style: chr19-13409764-C-T.
Other names: c.2695G>A, p.Gly899Arg (NM_000068.4, NM_023035.3); c.2686G>A, p.Gly896Arg (NM_001127221.2, NM_001174080.2); short protein forms G896R, G895R, G899R.
Identifiers: ClinVar variation 2231191 (VCV002231191.30), dbSNP rs1358948688, ClinGen allele CA404342929.
Genomic context (GRCh38, chr19:13,298,950, plus strand): 5'-ACCCGGGTTGCTCCAGGCTGCCCTCCCGGGCGTGGTGGTCCGACTCGCGGCCGTAGGGTC[C>T]CTCCCGGCTCAGCTCGGCCTCCTGGCTTCCCGCCCAGGGCCTCCGTGCGTCCAGGCCCGC-3'
Protein context (NP_001120694.1, residues 885-905): GSQEAELSRE[Gly895Arg]PYGRESDHHA

ClinVar aggregate classification (germline): Uncertain significance. Review status: criteria provided, multiple submitters, no conflicts (2 of 4 stars). 2 submissions from 2 submitters: Uncertain significance (2). Last evaluated 2023-02-01.

Conditions:
Inborn genetic diseases. Identifiers: MedGen C0950123, MeSH D030342.

Allele frequency attached by ClinVar (database versions not stated): gnomAD exomes below 0.00001.
gnomAD v4.1: 1 of 1,590,716 alleles (0.000063%); highest among the groups gnomAD compares: Admixed American, 0.0017%; no homozygotes.

Submissions (2):

CeGaT Center for Human Genetics Tuebingen
Classification: Uncertain significance. Last evaluated: 2023-02-01. Review status: criteria provided, single submitter. Criteria: CeGaT Center For Human Genetics Tuebingen Variant Classification Criteria Version 2. Collection method: clinical testing. Allele origin: germline. Affected: yes. Observed: 1 variant allele.
Comment: CACNA1A: PM2, PP2, PP3

Ambry Genetics
Classification: Uncertain significance for Inborn genetic diseases. Last evaluated: 2022-03-28. Review status: criteria provided, single submitter. Criteria: Ambry Variant Classification Scheme 2023. Collection method: clinical testing. Allele origin: germline.